The following is an entry in ClinVar:

ClinVar aggregate classification (germline): Likely benign. Review status: criteria provided, multiple submitters, no conflicts (2 of 4 stars). 3 submissions from 3 submitters: Likely benign (3). Last evaluated 2025-07-19.

Conditions:
Hereditary cancer-predisposing syndrome. Also called: Tumor predisposition; Neoplastic Syndromes, Hereditary; Hereditary Cancer Syndrome; Hereditary neoplastic syndrome. Identifiers: Orphanet 140162, MedGen C0027672, MeSH D009386, MONDO:0015356.
Peutz-Jeghers syndrome (PJS). Also called: POLYPOSIS, HAMARTOMATOUS INTESTINAL; POLYPS-AND-SPOTS SYNDROME; Peutz-Jeghers polyposis; Periorificial lentiginosis syndrome. Identifiers: Orphanet 2869, MedGen C0031269, MeSH D010580, MONDO:0008280, OMIM 175200.

Submissions (3):

Labcorp Genetics (formerly Invitae), Labcorp
Classification: Likely benign for Peutz-Jeghers syndrome. Last evaluated: 2025-07-19. Review status: criteria provided, single submitter. Criteria: Invitae Variant Classification Sherloc (09022015). Collection method: clinical testing. Allele origin: germline.

GeneDx
Classification: Likely benign. Last evaluated: 2017-11-27. Review status: criteria provided, single submitter. Criteria: GeneDx Variant Classification (06012015). Collection method: clinical testing. Allele origin: germline. Affected: yes.
Comment: This variant is considered likely benign or benign based on one or more of the following criteria: it is a conservative change, it occurs at a poorly conserved position in the protein, it is predicted to be benign by multiple in silico algorithms, and/or has population frequency not consistent with disease.

Color Diagnostics, LLC DBA Color Health
Classification: Likely benign for Hereditary cancer-predisposing syndrome. Last evaluated: 2017-01-17. Review status: criteria provided, single submitter. Criteria: ACMG Guidelines, 2015. Collection method: clinical testing. Allele origin: germline.

NM_000455.5(STK11):c.921-18_921-15del

Gene: STK11 (serine/threonine kinase 11; plus strand). Cytogenetic location: 19p13.3.
Variant type: Deletion.
Coding change: c.921-18_921-15del on transcript NM_000455.5 (MANE Select); 18 bases into the intron before coding-DNA position 921 through 15 bases into the intron before coding-DNA position 921, 4 bases deleted (GCTT; older notation c.921-18_921-15delGCTT).
Molecular consequence: intron variant.
Genome position (GRCh38, 1-based): chr19:1,222,967-1,222,970, GCTT deleted; deleting any 4 consecutive bases within chr19:1,222,966-1,222,970 gives the same sequence; the c. name uses the placement nearest the transcript's 3' end. VCF-style (leftmost placement, unchanged base first): chr19-1222965-CTGCT-C. GRCh37 (hg19) VCF-style: chr19-1222964-CTGCT-C.
Other names: c.921-18_921-15delGCTT (NM_000455.4).
Identifiers: ClinVar variation 492566 (VCV000492566.11), dbSNP rs752464256, ClinGen allele CA049639.
Genomic context (GRCh38, chr19:1,222,965, plus strand): 5'-GGGCCCAGAGGAGCTGGGTCGGAAAACTGGACCGCCCTGGTGCCAGCCTGACAGGCGCCA[CTGCT>C]TCTGGGCGTTTGCAGCTGGTTCCGGAAGAAACATCCTCCGGCTGAAGCACCAGTGCCCAT-3'